The following is an entry in ClinVar:

ClinVar aggregate classification (germline): Uncertain significance. Review status: criteria provided, multiple submitters, no conflicts (2 of 4 stars). 2 submissions from 2 submitters: Uncertain significance (2). Last evaluated 2026-07-04.

Conditions:
Inborn genetic diseases. Identifiers: MedGen C0950123, MeSH D030342.
Deafness-lymphedema-leukemia syndrome. Also called: Emberger syndrome; Lymphedema, primary, with myelodysplasia. Identifiers: Orphanet 3226, MedGen C3279664, MONDO:0013540, OMIM 614038.

Submissions (2):

Ambry Genetics
Classification: Uncertain significance for Inborn genetic diseases. Last evaluated: 2026-07-04. Review status: criteria provided, single submitter. Criteria: Ambry Variant Classification Scheme 2023. Collection method: clinical testing. Allele origin: germline.
Comment: The p.H469Y variant (also known as c.1405C>T), located in coding exon 5 of the GATA2 gene, results from a C to T substitution at nucleotide position 1405. The histidine at codon 469 is replaced by tyrosine, an amino acid with similar properties. This amino acid position is conserved. In addition, the in silico prediction for this alteration is inconclusive. Based on the available evidence, the clinical significance of this variant remains unclear.

Baylor Genetics
Classification: Uncertain significance for Deafness-lymphedema-leukemia syndrome. Last evaluated: 2019-04-11. Review status: criteria provided, single submitter. Criteria: ACMG Guidelines, 2015. Collection method: clinical testing. Allele origin: paternal. Affected: yes.
Comment: This variant was determined to be of uncertain significance according to ACMG Guidelines, 2015 [PMID:25741868].

NM_032638.5(GATA2):c.1405C>T (p.His469Tyr)

Gene: GATA2 (GATA binding protein 2; minus strand). Cytogenetic location: 3q21.3.
Variant type: single nucleotide variant.
Coding change: c.1405C>T on transcript NM_032638.5 (MANE Select); coding-DNA position 1405, C replaced by T.
Protein change: p.His469Tyr; replaces histidine 469 with tyrosine.
Molecular consequence: missense variant.
Genome position (GRCh38, 1-based): chr3:128,481,057, G>A on the plus strand (C>T on the coding strand, the complement: GATA2 is on the minus strand). VCF-style: chr3-128481057-G-A. GRCh37 (hg19) VCF-style: chr3-128199900-G-A.
Other names: c.1405C>T, p.His469Tyr (NM_001145661.2); c.1363C>T, p.His455Tyr (NM_001145662.1); short protein forms H455Y, H469Y.
Identifiers: ClinVar variation 1030046 (VCV001030046.2), dbSNP rs2068620221, ClinGen allele CA354412496.